The following is an entry in ClinVar:

ClinVar aggregate classification (germline): Benign/Likely benign. Review status: criteria provided, multiple submitters, no conflicts (2 of 4 stars). 5 submissions from 5 submitters: Benign (2); Likely benign (2). 1 of the submissions does not count toward it. Last evaluated 2026-02-03.

Conditions:
Familial sleep-related hypermotor epilepsy. Also called: Autosomal Dominant Sleep-Related Hypermotor (Hyperkinetic) Epilepsy. Identifiers: Orphanet 98784, MedGen C3696898, MONDO:0000030.
Inborn genetic diseases. Identifiers: MedGen C0950123, MeSH D030342.
Tobacco use disorder. Identifiers: MedGen C0040336.

Allele frequency attached by ClinVar (database versions not stated): gnomAD exomes 0.00014 and 0.00042; ExAC 0.00044; 1000 Genomes Project 30x 0.00125; gnomAD 0.00155 and 0.00165; 1000 Genomes Project 0.00160; ESP Exome Variant Server 0.00169; TOPMed 0.00181.
gnomAD v4.1: 452 of 1,612,186 alleles (0.028%); highest among the groups gnomAD compares: African/African-American, 0.53%; 1 homozygote.

Submissions (5):

Labcorp Genetics (formerly Invitae), Labcorp
Classification: Benign. Last evaluated: 2026-02-03. Review status: criteria provided, single submitter. Criteria: Invitae Variant Classification Sherloc (09022015). Collection method: clinical testing. Allele origin: germline.

Blueprint Genetics
Classification: Likely benign. Last evaluated: 2024-06-26. Review status: criteria provided, single submitter. Criteria: ACMG Guidelines, 2015. Collection method: clinical testing. Allele origin: germline.

Ambry Genetics
Classification: Likely benign for Inborn genetic diseases. Last evaluated: 2017-01-16. Review status: criteria provided, single submitter. Criteria: Ambry Variant Classification Scheme 2023. Collection method: clinical testing. Allele origin: germline.

GeneDx
Classification: Benign. Last evaluated: 2013-02-14. Review status: criteria provided, single submitter. Criteria: GeneDx Variant Classification (06012015). Collection method: clinical testing. Allele origin: germline. Affected: yes.
Comment: This variant is considered likely benign or benign based on one or more of the following criteria: it is a conservative change, it occurs at a poorly conserved position in the protein, it is predicted to be benign by multiple in silico algorithms, and/or has population frequency not consistent with disease.

Psychiatry Genetics Yale University
No classification provided. Review status: no classification provided. Collection method: not provided. Allele origin: somatic. Not counted in ClinVar's aggregate classification.

NM_000744.7(CHRNA4):c.1662G>A (p.Pro554=)

Gene: CHRNA4 (cholinergic receptor nicotinic alpha 4 subunit; minus strand). Cytogenetic location: 20q13.33.
Variant type: single nucleotide variant.
Coding change: c.1662G>A on transcript NM_000744.7 (MANE Select); coding-DNA position 1662, G replaced by A.
Protein change: p.Pro554=; no amino-acid change (proline 554 retained).
Molecular consequence: synonymous variant. On other transcripts: non-coding transcript variant (1).
Genome position (GRCh38, 1-based): chr20:63,349,749, C>T on the plus strand (G>A on the coding strand, the complement: CHRNA4 is on the minus strand). VCF-style: chr20-63349749-C-T. GRCh37 (hg19) VCF-style: chr20-61981101-C-T.
Other names: p.P554P:CCG>CCA; c.1134G>A, p.Pro378= (NM_001256573.2).
Identifiers: ClinVar variation 98322 (VCV000098322.55), dbSNP rs121912284, ClinGen allele CA150424.